The following is an entry in ClinVar:

ClinVar aggregate classification (germline): Uncertain significance (1 of 4 stars; one submission).

Conditions:
Atypical hemolytic-uremic syndrome. Identifiers: Orphanet 2134, MedGen C2931788, MONDO:0016244.

gnomAD v4.1: 7 of 1,614,160 alleles (0.00043%); highest among the groups gnomAD compares: Non-Finnish European, 0.00059%; no homozygotes.

Submission:

Genomenon, Inc
Classification: Uncertain significance for Atypical hemolytic-uremic syndrome. Last evaluated: 2025-09-26. Review status: criteria provided, single submitter. Criteria: Genomenon Sequence Variant Interpretation Standards - Updated. Collection method: curation. Allele origin: germline. Affected: yes.
Comment: CFI p.Arg448Leu (c.1343G>T) is a missense variant that changes the amino acid at residue 448 from Arginine to Leucine. This variant has been observed in at least one proband affected with atypical hemolytic-uremic syndrome (PMID:34169201). The presence of pathogenic/likely pathogenic missense variant(s) at the same amino acid position indicates that this residue is likely important for protein function. It is absent or not present at a significant frequency in gnomAD. In silico models agree that this variant is not damaging. In conclusion, we classify CFI p.Arg448Leu (c.1343G>T) as a variant of unknown significance.

Literature cited by the submitters: PubMed 34169201.

NM_000204.5(CFI):c.1343G>T (p.Arg448Leu)

Gene: CFI (complement factor I; minus strand). Cytogenetic location: 4q25.
Variant type: single nucleotide variant.
Coding change: c.1343G>T on transcript NM_000204.5 (MANE Select); coding-DNA position 1343, G replaced by T.
Protein change: p.Arg448Leu; replaces arginine 448 with leucine.
Molecular consequence: missense variant. On other transcripts: non-coding transcript variant (2).
Genome position (GRCh38, 1-based): chr4:109,746,308, C>A on the plus strand (G>T on the coding strand, the complement: CFI is on the minus strand). VCF-style: chr4-109746308-C-A. GRCh37 (hg19) VCF-style: chr4-110667464-C-A.
Other names: c.1367G>T, p.Arg456Leu (NM_001318057.2, NM_001375278.1, NM_001440988.1); c.1322G>T, p.Arg441Leu (NM_001331035.2, NM_001375280.1, NM_001375282.1 and 1 more transcripts); c.1343G>T, p.Arg448Leu (NM_001375279.1, NM_001375281.1, NM_001440989.1); c.1286G>T, p.Arg429Leu (NM_001375283.1); c.734G>T, p.Arg245Leu (NM_001375284.1); c.1364G>T, p.Arg455Leu (NM_001440985.1, NM_001440986.1); short protein forms R245L, R429L, R441L, R448L, R455L, R456L.
Identifiers: ClinVar variation 4280537 (VCV004280537.1).